The following is an entry in ClinVar:

NM_001909.5(CTSD):c.867C>T (p.Gly289=)

Gene: CTSD (cathepsin D; minus strand). Cytogenetic location: 11p15.5.
Variant type: single nucleotide variant.
Coding change: c.867C>T on transcript NM_001909.5 (MANE Select); coding-DNA position 867, C replaced by T.
Protein change: p.Gly289=; no amino-acid change (glycine 289 retained).
Molecular consequence: synonymous variant.
Genome position (GRCh38, 1-based): chr11:1,754,099, G>A on the plus strand (C>T on the coding strand, the complement: CTSD is on the minus strand). VCF-style: chr11-1754099-G-A. GRCh37 (hg19) VCF-style: chr11-1775329-G-A.
Identifiers: ClinVar variation 511326 (VCV000511326.2), dbSNP rs1200494428, ClinGen allele CA472140561.
Genomic context (GRCh38, chr11:1,754,099, plus strand): 5'-GCGCACCTCATCCACCGGGCCCACCATGAGGGAAGTGCCTGTGTCCACAATGGCCTCACA[G>A]CCCTCCTTGCACAGGGTCAGCCCGCTGGCCACCTCCACCCTGCGGGGAGTCAGGGCGTGA-3'
Protein context (NP_001900.1, residues 279-299): VASGLTLCKE[Gly289=]CEAIVDTGTS

ClinVar aggregate classification (germline): Likely benign. Review status: criteria provided, multiple submitters, no conflicts (2 of 4 stars). 2 submissions from 2 submitters: Likely benign (2). Last evaluated 2025-07-20.

Conditions:
Neuronal ceroid lipofuscinosis. Also called: Neuronal Ceroid Lipofuscinoses. Identifiers: Orphanet 216, Orphanet 79263, MedGen C0027877, MONDO:0016295. Disease mechanism: loss of function.

Submissions (2):

Labcorp Genetics (formerly Invitae), Labcorp
Classification: Likely benign for Neuronal ceroid lipofuscinosis. Last evaluated: 2025-07-20. Review status: criteria provided, single submitter. Criteria: Invitae Variant Classification Sherloc (09022015). Collection method: clinical testing. Allele origin: germline.

GeneDx
Classification: Likely benign. Last evaluated: 2017-08-09. Review status: criteria provided, single submitter. Criteria: GeneDx Variant Classification (06012015). Collection method: clinical testing. Allele origin: germline. Affected: yes.
Comment: This variant is considered likely benign or benign based on one or more of the following criteria: it is a conservative change, it occurs at a poorly conserved position in the protein, it is predicted to be benign by multiple in silico algorithms, and/or has population frequency not consistent with disease.